The following is an entry in ClinVar:

NM_015102.5(NPHP4):c.1455A>T (p.Pro485=)

Gene: NPHP4 (nephrocystin 4; minus strand). Cytogenetic location: 1p36.31.
Variant type: single nucleotide variant.
Coding change: c.1455A>T on transcript NM_015102.5 (MANE Select); coding-DNA position 1455, A replaced by T.
Protein change: p.Pro485=; no amino-acid change (proline 485 retained).
Molecular consequence: synonymous variant. On other transcripts: non-coding transcript variant (1), intron variant (2).
Genome position (GRCh38, 1-based): chr1:5,909,200, T>A on the plus strand (A>T on the coding strand, the complement: NPHP4 is on the minus strand). VCF-style: chr1-5909200-T-A. GRCh37 (hg19) VCF-style: chr1-5969260-T-A.
Other names: c.76-3417A>T (NM_001291594.2); c.76-3420A>T (NM_001291593.2); c.1455A>T (NM_015102.4).
Identifiers: ClinVar variation 1901184 (VCV001901184.6), dbSNP rs369748651, ClinGen allele CA554493.
Genomic context (GRCh38, chr1:5,909,200, plus strand): 5'-GCCTGGACTTACCCCTGGTCCCACAGGTGAGTTCTGCGGGGCAGCGAGAACTCGAGGTAC[T>A]GGCGCTGGCGGGCCTGGGAGGAAGCACAGTGGGGTAGGAGAGGGAATGTGTCAGCCTGTG-3'
Protein context (NP_055917.1, residues 475-495): PPTSPSSPPA[Pro485=]VPRVLAAPQN

ClinVar aggregate classification (germline): Likely benign. Review status: criteria provided, multiple submitters, no conflicts (2 of 4 stars). 2 submissions from 2 submitters: Likely benign (2). Last evaluated 2024-10-12.

Conditions:
NPHP4-related disorder. Also called: NPHP4-related condition; NPHP4-related disorders. Identifiers: MedGen CN239384.
Nephronophthisis. Also called: Juvenile Nephronophthisis. Identifiers: Orphanet 655, MedGen C0687120, MONDO:0019005, HP:0000090.

Allele frequency attached by ClinVar (database versions not stated): ExAC 0.00002; gnomAD 0.00002; ESP Exome Variant Server 0.00008.
gnomAD v4.1: 6 of 1,603,292 alleles (0.00037%); highest among the groups gnomAD compares: African/African-American, 0.0067%; no homozygotes.

Submissions (2):

PreventionGenetics, part of Exact Sciences
Classification: Likely benign for NPHP4-related condition. Last evaluated: 2024-10-12. Review status: criteria provided, single submitter. Criteria: ACMG Guidelines, 2015. Collection method: clinical testing. Allele origin: germline.
Comment: This variant is classified as likely benign based on ACMG/AMP sequence variant interpretation guidelines (Richards et al. 2015 PMID: 25741868, with internal and published modifications).

Labcorp Genetics (formerly Invitae), Labcorp
Classification: Likely benign for Nephronophthisis. Last evaluated: 2023-11-18. Review status: criteria provided, single submitter. Criteria: Invitae Variant Classification Sherloc (09022015). Collection method: clinical testing. Allele origin: germline.